The following is an entry in ClinVar:

ClinVar aggregate classification (germline): Benign (1 of 4 stars; one submission).

Allele frequency attached by ClinVar (database versions not stated): 1000 Genomes Project 0.56989; 1000 Genomes Project 30x 0.57433; gnomAD 0.59485; TOPMed 0.61818; ESP Exome Variant Server 0.61982.
gnomAD v4.1: 894,467 of 1,565,550 alleles (57%); highest among the groups gnomAD compares: African/African-American, 68%; 257,789 homozygotes.

Submission:

Unidad de Genómica Garrahan, Hospital de Pediatría Garrahan
Classification: Benign. Last evaluated: 2024-01-24. Review status: criteria provided, single submitter. Criteria: ACMG Guidelines, 2015. Collection method: clinical testing. Allele origin: germline. Affected: no. Observed: 81 variant alleles.
Comment: This variant is classified as Benign based on local population frequency. This variant was detected in 92% of patients studied by a panel of primary immunodeficiencies. Number of patients: 81. Only high quality variants are reported.

NM_000565.4(IL6R):c.334+52T>C

Gene: IL6R (interleukin 6 receptor; plus strand). Cytogenetic location: 1q21.3.
Variant type: single nucleotide variant.
Coding change: c.334+52T>C on transcript NM_000565.4 (MANE Select); 52 bases into the intron after coding-DNA position 334, T replaced by C.
Molecular consequence: intron variant.
Genome position (GRCh38, 1-based): chr1:154,429,496, T>C. VCF-style: chr1-154429496-T-C. GRCh37 (hg19) VCF-style: chr1-154401972-T-C.
Other names: c.334+52T>C (NM_001382771.1, NM_001382773.1, NM_001382770.1 and 4 more transcripts); c.126+260T>C (NM_001382774.1).
Identifiers: ClinVar variation 2688500 (VCV002688500.2), dbSNP rs6694817, ClinGen allele CA1128983.
Genomic context (GRCh38, chr1:154,429,496, plus strand): 5'-TGGTGGATGGTGAGTTGTGCCTCAGAGGTCCCGGAGATAGTTCCCGTAAGAAATGAGGCT[T>C]TGTGCATTCCAGACAGTCCCTGTCTGAGCCTTCAAACTCCCACCATTTCCTTGGCGCAAG-3'